The following is an entry in ClinVar:

NM_006073.4(TRDN):c.145G>C (p.Ala49Pro)

Gene: TRDN (triadin; minus strand). Cytogenetic location: 6q22.31.
Variant type: single nucleotide variant.
Coding change: c.145G>C on transcript NM_006073.4 (MANE Select); coding-DNA position 145, G replaced by C.
Protein change: p.Ala49Pro; replaces alanine 49 with proline.
Molecular consequence: missense variant.
Genome position (GRCh38, 1-based): chr6:123,571,010, C>G on the plus strand (G>C on the coding strand, the complement: TRDN is on the minus strand). VCF-style: chr6-123571010-C-G. GRCh37 (hg19) VCF-style: chr6-123892155-C-G.
Other names: c.145G>C, p.Ala49Pro (NM_001251987.2, NM_001256020.2, NM_001256021.2 and 1 more transcripts); short protein forms A49P.
Identifiers: ClinVar variation 639752 (VCV000639752.10), dbSNP rs1583264660, ClinGen allele CA365569198.

ClinVar aggregate classification (germline): Uncertain significance (1 of 4 stars; one submission).

Conditions:
Catecholaminergic polymorphic ventricular tachycardia 1. Also called: RYR2-Related Catecholaminergic Polymorphic Ventricular Tachycardia; VENTRICULAR TACHYCARDIA, CATECHOLAMINERGIC POLYMORPHIC, 1, WITH OR WITHOUT ATRIAL DYSFUNCTION AND/OR DILATED CARDIOMYOPATHY; VENTRICULAR TACHYCARDIA, STRESS-INDUCED POLYMORPHIC 1. Identifiers: Orphanet 3286, MedGen C1631597, MONDO:0011484, OMIM 604772.

Submission:

Labcorp Genetics (formerly Invitae), Labcorp
Classification: Uncertain significance for Catecholaminergic polymorphic ventricular tachycardia 1. Last evaluated: 2018-08-21. Review status: criteria provided, single submitter. Criteria: Invitae Variant Classification Sherloc (09022015). Collection method: clinical testing. Allele origin: germline.
Comment: In summary, the available evidence is currently insufficient to determine the role of this variant in disease. Therefore, it has been classified as a Variant of Uncertain Significance. Algorithms developed to predict the effect of missense changes on protein structure and function are either unavailable or do not agree on the potential impact of this missense change (SIFT: "Deleterious"; PolyPhen-2: "Possibly Damaging"; Align-GVGD: "Class C0"). This variant has not been reported in the literature in individuals with TRDN-related disease. This variant is not present in population databases (ExAC no frequency). This sequence change replaces alanine with proline at codon 49 of the TRDN protein (p.Ala49Pro). The alanine residue is moderately conserved and there is a small physicochemical difference between alanine and proline.